The following is an entry in ClinVar:

NM_022124.6(CDH23):c.7730_7734del (p.Phe2577fs)

Gene: CDH23 (cadherin related 23; plus strand). Cytogenetic location: 10q22.1.
Variant type: Deletion.
Coding change: c.7730_7734del on transcript NM_022124.6 (MANE Select); coding-DNA positions 7730 to 7734, 5 bases deleted (TCAGT; older notation c.7730_7734delTCAGT).
Protein change: p.Phe2577fs; shifts the reading frame from phenylalanine 2577.
Molecular consequence: frameshift variant.
Genome position (GRCh38, 1-based): chr10:71,803,278-71,803,282, TCAGT deleted; deleting any 5 consecutive bases within chr10:71,803,275-71,803,282 gives the same sequence; the c. name uses the placement nearest the transcript's 3' end. VCF-style (leftmost placement, unchanged base first): chr10-71803274-AAGTTC-A. GRCh37 (hg19) VCF-style: chr10-73563031-AAGTTC-A.
Other names: c.1010_1014del, p.Phe337fs (NM_001171933.1, NM_001171934.1); c.7730_7734delTCAGT (NM_022124.5); short protein forms F2577fs, F337fs.
Identifiers: ClinVar variation 3597057 (VCV003597057.3).

ClinVar aggregate classification (germline): Pathogenic/Likely pathogenic. Review status: criteria provided, multiple submitters, no conflicts (2 of 4 stars). 3 submissions from 3 submitters: Pathogenic (2); Likely pathogenic (1). Last evaluated 2024-10-20.

Conditions:
CDH23-related disorder. Also called: CDH23-related condition; CDH23-related disorders.
Usher syndrome type 1 (USH1). Also called: RETINITIS PIGMENTOSA AND CONGENITAL DEAFNESS. Identifiers: Orphanet 231169, Orphanet 886, MedGen C1568247, MONDO:0010168, OMIM 276900.
Usher syndrome type 1D (USH1D). Also called: USHER SYNDROME, TYPE ID. Identifiers: Orphanet 231169, Orphanet 886, MedGen C1832845, MONDO:0010984, OMIM 601067.
Pituitary adenoma 5, multiple types. Identifiers: MedGen C4539685, MONDO:0054601, OMIM 617540.
Autosomal recessive nonsyndromic hearing loss 12. Also called: DEAFNESS, AUTOSOMAL RECESSIVE 12. Identifiers: Orphanet 90636, MedGen C1832394, MONDO:0011067, OMIM 601386.

Submissions (3):

Natera, Inc.
Classification: Pathogenic for Usher syndrome type 1. Last evaluated: 2024-10-20. Review status: criteria provided, single submitter. Criteria: Natera Variant Classification Schema (03/2026). Collection method: clinical testing. Allele origin: germline.
Comment: The c.7730_7734delTCAGT variant in CDH23 is a frameshift variant predicted to shift the reading frame beginning at codon 2577 and leads to a stop codon 28 codons downstream. This variant is expected to result in nonsense mediated decay, truncation, or a dysfunctional protein product. This variant is rare in the general population with a frequency below the threshold expected for the associated phenotype(s). This variant has been observed in one or more individuals affected with the associated recessive disease, as either homozygous or compound heterozygous with a second variant (PMID: 31231422). Given the available evidence, this variant is classified as Pathogenic.

Fulgent Genetics
Classification: Pathogenic for Usher syndrome type 1D; Autosomal recessive nonsyndromic hearing loss 12; Pituitary adenoma 5, multiple types. Last evaluated: 2024-05-07. Review status: criteria provided, single submitter. Criteria: ACMG Guidelines, 2015. Collection method: clinical testing. Allele origin: germline.

Blueprint Genetics
Classification: Likely pathogenic for CDH23-related disorders. Last evaluated: 2022-10-11. Review status: criteria provided, single submitter. Criteria: ACMG Guidelines, 2015. Collection method: clinical testing. Allele origin: germline. Affected: yes. Observed: 1 variant allele.

Literature cited by the submitters: PubMed 31231422 (cited by Natera, Inc.).